The following is an entry in ClinVar:

NM_001370259.2(MEN1):c.716T>G (p.Met239Arg)

Gene: MEN1 (menin 1; minus strand). Cytogenetic location: 11q13.1.
Variant type: single nucleotide variant.
Coding change: c.716T>G on transcript NM_001370259.2 (MANE Select); coding-DNA position 716, T replaced by G.
Protein change: p.Met239Arg; replaces methionine 239 with arginine.
Molecular consequence: missense variant. On other transcripts: non-coding transcript variant (4).
Genome position (GRCh38, 1-based): chr11:64,807,619, A>C on the plus strand (T>G on the coding strand, the complement: MEN1 is on the minus strand). VCF-style: chr11-64807619-A-C. GRCh37 (hg19) VCF-style: chr11-64575091-A-C.
Other names: c.731T>G, p.Met244Arg (NM_000244.4, NM_001407145.1, NM_001407150.1 and 5 more transcripts); c.716T>G, p.Met239Arg (NM_001370251.2, NM_001370260.2, NM_001370261.2 and 7 more transcripts); c.611T>G, p.Met204Arg (NM_001370262.2, NM_001370263.2, NM_001407148.1 and 2 more transcripts); short protein forms M204R, M239R, M244R.
Identifiers: ClinVar variation 3766830 (VCV003766830.1).

ClinVar aggregate classification (germline): Uncertain significance (1 of 4 stars; one submission).

Submission:

ARUP Laboratories, Molecular Genetics and Genomics, ARUP Laboratories
Classification: Uncertain significance. Last evaluated: 2024-09-13. Review status: criteria provided, single submitter. Criteria: ARUP Molecular Germline Variant Investigation Process 2024. Collection method: clinical testing. Allele origin: germline.
Comment: The MEN1 c.716T>G; p.Met239Arg variant, to our knowledge, is not reported in the medical literature or gene specific databases. This variant is also absent from the Genome Aggregation Database (v2.1.1), indicating it is not a common polymorphism. Computational analyses predict that this variant is deleterious (REVEL: 0.959). However, given the lack of clinical and functional data, the significance of this variant is uncertain at this time.